The following is an entry in ClinVar:

ClinVar aggregate classification (germline): Pathogenic/Likely pathogenic. Review status: criteria provided, multiple submitters, no conflicts (2 of 4 stars). 2 submissions from 2 submitters: Pathogenic (1); Likely pathogenic (1). Last evaluated 2025-11-23.

Conditions:
Nephrogenic diabetes insipidus. Identifiers: Orphanet 223, MedGen C0162283, MONDO:0016383, HP:0009806.

Allele frequency attached by ClinVar (database versions not stated): gnomAD exomes below 0.00001; gnomAD 0.00001; TOPMed 0.00001.
gnomAD v4.1: 3 of 1,614,130 alleles (0.00019%); highest among the groups gnomAD compares: Admixed American, 0.0017%; no homozygotes.

Submissions (2):

Labcorp Genetics (formerly Invitae), Labcorp
Classification: Pathogenic. Last evaluated: 2025-11-23. Review status: criteria provided, single submitter. Criteria: Invitae Variant Classification Sherloc (09022015). Collection method: clinical testing. Allele origin: germline.
Comment: This sequence change creates a premature translational stop signal (p.Gln36*) in the AQP2 gene. It is expected to result in an absent or disrupted protein product. Loss-of-function variants in AQP2 are known to be pathogenic (PMID: 9024277, 27156763). This variant is not present in population databases (gnomAD no frequency). This variant has not been reported in the literature in individuals affected with AQP2-related conditions. ClinVar contains an entry for this variant (Variation ID: 1374721). For these reasons, this variant has been classified as Pathogenic.

Natera, Inc.
Classification: Likely pathogenic for Nephrogenic diabetes insipidus. Last evaluated: 2024-06-03. Review status: criteria provided, single submitter. Criteria: Natera Variant Classification Schema (03/2026). Collection method: clinical testing. Allele origin: germline.
Comment: The c.106C>T variant in AQP2 is a nonsense variant predicted to introduce a stop codon at amino acid 36. This variant is expected to result in nonsense mediated decay, truncation, or a dysfunctional protein product. This variant is rare in the general population with a frequency below the threshold expected for the associated phenotype(s). Given the available evidence, this variant is classified as Likely Pathogenic.

Literature cited by the submitters: PubMed 9024277 (cited by Labcorp Genetics (formerly Invitae), Labcorp); PubMed 27156763 (cited by Labcorp Genetics (formerly Invitae), Labcorp).

NM_000486.6(AQP2):c.106C>T (p.Gln36Ter)

Gene: AQP2 (aquaporin 2; plus strand). Cytogenetic location: 12q13.12.
Variant type: single nucleotide variant.
Coding change: c.106C>T on transcript NM_000486.6 (MANE Select); coding-DNA position 106, C replaced by T.
Protein change: p.Gln36Ter; replaces glutamine 36 with a stop codon.
Molecular consequence: nonsense.
Genome position (GRCh38, 1-based): chr12:49,950,936, C>T. VCF-style: chr12-49950936-C-T. GRCh37 (hg19) VCF-style: chr12-50344719-C-T.
Other names: short protein forms Q36*.
Identifiers: ClinVar variation 1374721 (VCV001374721.7), dbSNP rs1947324005, ClinGen allele CA384771758.